The following is an entry in ClinVar:

ClinVar aggregate classification (germline): Uncertain significance. Review status: criteria provided, multiple submitters, no conflicts (2 of 4 stars). 3 submissions from 3 submitters: Uncertain significance (3). Last evaluated 2023-12-11.

Conditions:
Cardiovascular phenotype. Identifiers: MedGen CN230736.
RASopathy. Also called: rasopathies; Noonan spectrum disorder. Identifiers: Orphanet 536391, MedGen C5555857, MONDO:0021060.
Juvenile myelomonocytic leukemia (JMML). Also called: LEUKEMIA, JUVENILE MYELOMONOCYTIC, SOMATIC. Identifiers: Orphanet 86834, MedGen C0349639, MONDO:0011908, OMIM 607785, HP:0012209.
LEOPARD syndrome 1 (LPRD1). Also called: LENTIGINOSIS, CARDIOMYOPATHIC; MULTIPLE LENTIGINES SYNDROME; PTPN11-Related LEOPARD Syndrome. Identifiers: Orphanet 500, MedGen C4551484, MONDO:0100082, OMIM 151100.
Noonan syndrome 1 (NS1). Also called: FEMALE PSEUDO-TURNER SYNDROME; TURNER PHENOTYPE WITH NORMAL KARYOTYPE; PTPN11-Related Noonan Syndrome. Identifiers: Orphanet 648, MedGen C4551602, MONDO:0008104, OMIM 163950. Disease mechanism: gain of function.
Metachondromatosis (METCDS). Identifiers: Orphanet 2499, MedGen C0410530, MONDO:0007979, OMIM 156250.

Allele frequency attached by ClinVar (database versions not stated): gnomAD 0.00001; TOPMed 0.00002.

Submissions (3):

Ambry Genetics
Classification: Uncertain significance for Cardiovascular phenotype. Last evaluated: 2023-12-11. Review status: criteria provided, single submitter. Criteria: Ambry Variant Classification Scheme 2023. Collection method: clinical testing. Allele origin: germline.
Comment: The p.D188G variant (also known as c.563A>G), located in coding exon 5 of the PTPN11 gene, results from an A to G substitution at nucleotide position 563. The aspartic acid at codon 188 is replaced by glycine, an amino acid with similar properties. This amino acid position is conserved. In addition, this alteration is predicted to be deleterious by in silico analysis. Since supporting evidence is limited at this time, the clinical significance of this alteration remains unclear.

Fulgent Genetics
Classification: Uncertain significance for LEOPARD syndrome 1; Metachondromatosis; Noonan syndrome 1; Juvenile myelomonocytic leukemia. Last evaluated: 2021-12-09. Review status: criteria provided, single submitter. Criteria: ACMG Guidelines, 2015. Collection method: clinical testing. Allele origin: unknown.

Labcorp Genetics (formerly Invitae), Labcorp
Classification: Uncertain significance for RASopathy. Last evaluated: 2021-10-14. Review status: criteria provided, single submitter. Criteria: Invitae Variant Classification Sherloc (09022015). Collection method: clinical testing. Allele origin: germline.
Comment: This variant is not present in population databases (ExAC no frequency). This sequence change replaces aspartic acid with glycine at codon 188 of the PTPN11 protein (p.Asp188Gly). The aspartic acid residue is moderately conserved and there is a moderate physicochemical difference between aspartic acid and glycine. This variant has not been reported in the literature in individuals affected with PTPN11-related conditions. Advanced modeling of protein sequence and biophysical properties (such as structural, functional, and spatial information, amino acid conservation, physicochemical variation, residue mobility, and thermodynamic stability) performed at Invitae indicates that this missense variant is expected to disrupt PTPN11 protein function. In summary, the available evidence is currently insufficient to determine the role of this variant in disease. Therefore, it has been classified as a Variant of Uncertain Significance.

NM_002834.5(PTPN11):c.563A>G (p.Asp188Gly)

Gene: PTPN11 (protein tyrosine phosphatase non-receptor type 11; plus strand). Cytogenetic location: 12q24.13.
Variant type: single nucleotide variant.
Coding change: c.563A>G on transcript NM_002834.5 (MANE Select); coding-DNA position 563, A replaced by G.
Protein change: p.Asp188Gly; replaces aspartic acid 188 with glycine.
Molecular consequence: missense variant.
Genome position (GRCh38, 1-based): chr12:112,454,601, A>G. VCF-style: chr12-112454601-A-G. GRCh37 (hg19) VCF-style: chr12-112892405-A-G.
Other names: c.563A>G (NM_002834.3); c.563A>G, p.Asp188Gly (NM_001330437.2, NM_080601.3); c.560A>G, p.Asp187Gly (NM_001374625.1); short protein forms D188G, D187G.
Identifiers: ClinVar variation 1422308 (VCV001422308.8), dbSNP rs1436513335, ClinGen allele CA386782360.